The following is an entry in ClinVar:

NM_000256.3(MYBPC3):c.150C>T (p.Ser50=)

Gene: MYBPC3 (myosin binding protein C3; minus strand). Cytogenetic location: 11p11.2.
Variant type: single nucleotide variant.
Coding change: c.150C>T on transcript NM_000256.3 (MANE Select); coding-DNA position 150, C replaced by T.
Protein change: p.Ser50=; no amino-acid change (serine 50 retained).
Molecular consequence: synonymous variant.
Genome position (GRCh38, 1-based): chr11:47,351,381, G>A on the plus strand (C>T on the coding strand, the complement: MYBPC3 is on the minus strand). VCF-style: chr11-47351381-G-A. GRCh37 (hg19) VCF-style: chr11-47372932-G-A.
Identifiers: ClinVar variation 696024 (VCV000696024.24), dbSNP rs368918487, ClinGen allele CA045541.
Genomic context (GRCh38, chr11:47,351,381, plus strand): 5'-TTCCCGCACTGTCAGCGTATGCCGTGTGCCCTCTGTGGCCAGGCCGTACTTGTTGCTGGC[G>A]CTGATGTCACTGCCTCCGCGCTGCCAGCGCACCTTCACTCCTGCCCGCTCTGTCTCGGCC-3'
Protein context (NP_000247.2, residues 40-60): VRWQRGGSDI[Ser50=]ASNKYGLATE

ClinVar aggregate classification (germline): Likely benign. Review status: criteria provided, multiple submitters, no conflicts (2 of 4 stars). 12 submissions from 12 submitters: Likely benign (8). 4 of the submissions do not count toward it. Last evaluated 2025-10-05.

Conditions:
MYBPC3-related disorder. Also called: MYBPC3-related disorders; MYBPC3-related condition; MYBPC3-related disease.
Cardiovascular phenotype. Identifiers: MedGen CN230736.
Hypertrophic cardiomyopathy 4. Also called: Familial hypertrophic cardiomyopathy 4. Identifiers: MedGen C1861862, MONDO:0007268, OMIM 115197.
Left ventricular noncompaction 10 (LVNC10). Identifiers: Orphanet 154, Orphanet 54260, MedGen C3715165, MONDO:0014163, OMIM 615396.
Cardiomyopathy (CMYO). Also called: Cardiomyopathies. Identifiers: Orphanet 167848, MedGen C0878544, MONDO:0004994, HP:0001638. Inheritance: Various modes of inheritance.
Hypertrophic cardiomyopathy. Also called: HYPERTROPHIC MYOCARDIOPATHY. Identifiers: Orphanet 217569, MedGen C0007194, MeSH D002312, MONDO:0005045, HP:0001639.

Allele frequency attached by ClinVar (database versions not stated): gnomAD 0.00004; TOPMed 0.00004; ExAC 0.00007; ESP Exome Variant Server 0.00008.
gnomAD v4.1: 48 of 1,608,758 alleles (0.003%); highest among the groups gnomAD compares: Admixed American, 0.018%; no homozygotes.

Submissions (12):

Labcorp Genetics (formerly Invitae), Labcorp
Classification: Likely benign for Hypertrophic cardiomyopathy. Last evaluated: 2025-10-05. Review status: criteria provided, single submitter. Criteria: Invitae Variant Classification Sherloc (09022015). Collection method: clinical testing. Allele origin: germline.

Molecular Diagnostic Laboratory for Inherited Cardiovascular Disease, Montreal Heart Institute
Classification: Likely benign. Last evaluated: 2025-04-09. Review status: criteria provided, single submitter. Criteria: ACMG Guidelines, 2015. Collection method: clinical testing. Allele origin: germline. Affected: no.

Fulgent Genetics
Classification: Likely benign for Hypertrophic cardiomyopathy 4; Left ventricular noncompaction 10. Last evaluated: 2021-10-11. Review status: criteria provided, single submitter. Criteria: ACMG Guidelines, 2015. Collection method: clinical testing. Allele origin: unknown.

GeneDx
Classification: Likely benign. Last evaluated: 2021-01-08. Review status: criteria provided, single submitter. Criteria: GeneDx Variant Classification Process June 2021. Collection method: clinical testing. Allele origin: germline. Affected: yes.

Color Diagnostics, LLC DBA Color Health
Classification: Likely benign for Cardiomyopathy. Last evaluated: 2020-01-28. Review status: criteria provided, single submitter. Criteria: ACMG Guidelines, 2015. Collection method: clinical testing. Allele origin: germline.

Women's Health and Genetics/Laboratory Corporation of America, LabCorp
Classification: Likely benign. Last evaluated: 2019-08-09. Review status: criteria provided, single submitter. Criteria: LabCorp Variant Classification Summary - May 2015. Collection method: clinical testing. Allele origin: germline.

Ambry Genetics
Classification: Likely benign for Cardiovascular phenotype. Last evaluated: 2019-06-26. Review status: criteria provided, single submitter. Criteria: Ambry Variant Classification Scheme 2023. Collection method: clinical testing. Allele origin: germline.

Blueprint Genetics
Classification: Likely benign. Last evaluated: 2018-12-22. Review status: criteria provided, single submitter. Criteria: ACMG Guidelines, 2015. Collection method: clinical testing. Allele origin: germline.

PreventionGenetics, part of Exact Sciences
Classification: Likely benign for MYBPC3-related condition. Last evaluated: 2023-10-09. Review status: no assertion criteria provided. Collection method: clinical testing. Allele origin: germline. Not counted in ClinVar's aggregate classification.
Comment: This variant is classified as likely benign based on ACMG/AMP sequence variant interpretation guidelines (Richards et al. 2015 PMID: 25741868, with internal and published modifications).

Clinical Genetics, Academic Medical Center
Classification: Benign. Review status: no assertion criteria provided. Collection method: clinical testing. Allele origin: germline. Affected: yes. Study: VKGL Data-share Consensus. Not counted in ClinVar's aggregate classification.

Genome Diagnostics Laboratory, University Medical Center Utrecht
Classification: Likely benign. Review status: no assertion criteria provided. Collection method: clinical testing. Allele origin: germline. Affected: yes. Study: VKGL Data-share Consensus. Not counted in ClinVar's aggregate classification.

Joint Genome Diagnostic Labs from Nijmegen and Maastricht, Radboudumc and MUMC+
Classification: Likely benign. Review status: no assertion criteria provided. Collection method: clinical testing. Allele origin: germline. Affected: yes. Study: VKGL Data-share Consensus. Not counted in ClinVar's aggregate classification.